The following is an entry in ClinVar:

NM_004415.4(DSP):c.3103G>A (p.Glu1035Lys)

Gene: DSP (desmoplakin; plus strand). Cytogenetic location: 6p24.3.
Variant type: single nucleotide variant.
Coding change: c.3103G>A on transcript NM_004415.4 (MANE Select); coding-DNA position 3103, G replaced by A.
Protein change: p.Glu1035Lys; replaces glutamic acid 1035 with lysine.
Molecular consequence: missense variant.
Genome position (GRCh38, 1-based): chr6:7,579,293, G>A. VCF-style: chr6-7579293-G-A. GRCh37 (hg19) VCF-style: chr6-7579526-G-A.
Other names: c.3103G>A, p.Glu1035Lys (NM_001008844.3, NM_001319034.2); short protein forms E1035K.
Identifiers: ClinVar variation 962473 (VCV000962473.8), dbSNP rs760307890, ClinGen allele CA362682954.

ClinVar aggregate classification (germline): Uncertain significance (1 of 4 stars; one submission).

Conditions:
Arrhythmogenic right ventricular dysplasia 8 (ARVD8). Also called: ARRHYTHMOGENIC RIGHT VENTRICULAR CARDIOMYOPATHY 8; Arrhythmogenic Right Ventricular Dysplasia/Cardiomyopathy 8; ARRHYTHMOGENIC RIGHT VENTRICULAR DYSPLASIA, FAMILIAL, 8. Identifiers: MedGen C1843896, MONDO:0011831, OMIM 607450.
Arrhythmogenic cardiomyopathy with wooly hair and keratoderma. Also called: Carvajal syndrome; Arrhythmogenic cardiomyopathy with woolly hair and keratoderma; Dilated cardiomyopathy with woolly hair and keratoderma; PALMOPLANTAR KERATODERMA WITH LEFT VENTRICULAR CARDIOMYOPATHY AND WOOLLY HAIR. Identifiers: Orphanet 65282, MedGen C1854063, MONDO:0011581, OMIM 605676.

Allele frequency attached by ClinVar (database versions not stated): TOPMed below 0.00001.
gnomAD v4.1: 5 of 1,614,114 alleles (0.00031%); highest among the groups gnomAD compares: South Asian, 0.0011%; no homozygotes.

Submission:

Labcorp Genetics (formerly Invitae), Labcorp
Classification: Uncertain significance for Arrhythmogenic cardiomyopathy with wooly hair and keratoderma; Arrhythmogenic right ventricular dysplasia 8. Last evaluated: 2021-11-04. Review status: criteria provided, single submitter. Criteria: Invitae Variant Classification Sherloc (09022015). Collection method: clinical testing. Allele origin: germline.
Comment: This sequence change replaces glutamic acid, which is acidic and polar, with lysine, which is basic and polar, at codon 1035 of the DSP protein (p.Glu1035Lys). In summary, the available evidence is currently insufficient to determine the role of this variant in disease. Therefore, it has been classified as a Variant of Uncertain Significance. Algorithms developed to predict the effect of missense changes on protein structure and function are either unavailable or do not agree on the potential impact of this missense change (SIFT: "Deleterious"; PolyPhen-2: "Probably Damaging"; Align-GVGD: "Class C15"). ClinVar contains an entry for this variant (Variation ID: 962473). This variant has not been reported in the literature in individuals affected with DSP-related conditions. This variant is not present in population databases (gnomAD no frequency).